The following is an entry in ClinVar:

NM_001101362.3(KBTBD13):c.1358C>G (p.Ser453Trp)

Gene: KBTBD13 (kelch repeat and BTB domain containing 13; plus strand). Cytogenetic location: 15q22.31.
Variant type: single nucleotide variant.
Coding change: c.1358C>G on transcript NM_001101362.3 (MANE Select); coding-DNA position 1358, C replaced by G.
Protein change: p.Ser453Trp; replaces serine 453 with tryptophan.
Molecular consequence: missense variant.
Genome position (GRCh38, 1-based): chr15:65,078,173, C>G. VCF-style: chr15-65078173-C-G. GRCh37 (hg19) VCF-style: chr15-65370511-C-G.
Other names: short protein forms S453W.
Identifiers: ClinVar variation 2843643 (VCV002843643.3), dbSNP rs753712072, ClinGen allele CA271505020.
Genomic context (GRCh38, chr15:65,078,173, plus strand): 5'-CCGGCTCCTTGCAGACCTTTCTCCTAAGGCTGCCTCCTGGCGCTCCTGGGCCTGTGACTT[C>G]GACAACGGCAGAACTGTGACCTCTGGGCTGGCTTTAGGAGGGAGGAGACGCCGCGACTCC-3'
Protein context (NP_001094832.1, residues 443-458): LPPGAPGPVT[Ser453Trp]TTAEL

ClinVar aggregate classification (germline): Uncertain significance (1 of 4 stars; one submission).

Conditions:
Nemaline myopathy 6 (NEM6). Also called: Nemaline myopathy 6, autosomal dominant. Identifiers: Orphanet 171439, MedGen C1836472, MONDO:0012237, OMIM 609273.

Submission:

Labcorp Genetics (formerly Invitae), Labcorp
Classification: Uncertain significance for Nemaline myopathy 6. Last evaluated: 2023-05-27. Review status: criteria provided, single submitter. Criteria: Invitae Variant Classification Sherloc (09022015). Collection method: clinical testing. Allele origin: germline.
Comment: In summary, the available evidence is currently insufficient to determine the role of this variant in disease. Therefore, it has been classified as a Variant of Uncertain Significance. An algorithm developed to predict the effect of missense changes on protein structure and function (PolyPhen-2) suggests that this variant is likely to be disruptive. This variant has not been reported in the literature in individuals affected with KBTBD13-related conditions. This variant is not present in population databases (gnomAD no frequency). This sequence change replaces serine, which is neutral and polar, with tryptophan, which is neutral and slightly polar, at codon 453 of the KBTBD13 protein (p.Ser453Trp).